The following is an entry in ClinVar:

NM_002335.4(LRP5):c.2737T>C (p.Cys913Arg)

Gene: LRP5 (LDL receptor related protein 5; plus strand). Cytogenetic location: 11q13.2.
Variant type: single nucleotide variant.
Coding change: c.2737T>C on transcript NM_002335.4 (MANE Select); coding-DNA position 2737, T replaced by C.
Protein change: p.Cys913Arg; replaces cysteine 913 with arginine.
Molecular consequence: missense variant.
Genome position (GRCh38, 1-based): chr11:68,413,922, T>C. VCF-style: chr11-68413922-T-C. GRCh37 (hg19) VCF-style: chr11-68181390-T-C.
Other names: c.994T>C, p.Cys332Arg (NM_001291902.2); short protein forms C913R, C332R.
Identifiers: ClinVar variation 2128988 (VCV002128988.4), dbSNP rs2496762586, ClinGen allele CA381618846.

ClinVar aggregate classification (germline): Likely pathogenic (1 of 4 stars; one submission).

Allele frequency attached by ClinVar (database versions not stated): gnomAD exomes below 0.00001.
gnomAD v4.1: 1 of 1,611,914 alleles (0.000062%); highest among the groups gnomAD compares: Non-Finnish European, 0.000085%; no homozygotes.

Submission:

Labcorp Genetics (formerly Invitae), Labcorp
Classification: Likely pathogenic. Last evaluated: 2022-10-03. Review status: criteria provided, single submitter. Criteria: Invitae Variant Classification Sherloc (09022015). Collection method: clinical testing. Allele origin: germline.
Comment: In summary, the currently available evidence indicates that the variant is pathogenic, but additional data are needed to prove that conclusively. Therefore, this variant has been classified as Likely Pathogenic. This missense change has been observed in individual(s) with clinical features of LRP5-related conditions (Invitae). It has also been observed to segregate with disease in related individuals. Advanced modeling of protein sequence and biophysical properties (such as structural, functional, and spatial information, amino acid conservation, physicochemical variation, residue mobility, and thermodynamic stability) performed at Invitae indicates that this missense variant is expected to disrupt LRP5 protein function. This variant disrupts the p.Cys913 amino acid residue in LRP5. Other variant(s) that disrupt this residue have been observed in individuals with LRP5-related conditions (PMID: 29181528), which suggests that this may be a clinically significant amino acid residue. This variant is not present in population databases (gnomAD no frequency). This sequence change replaces cysteine, which is neutral and slightly polar, with arginine, which is basic and polar, at codon 913 of the LRP5 protein (p.Cys913Arg).

Literature cited by the submitters: PubMed 29181528.